The following is an entry in ClinVar:

NM_000257.4(MYH7):c.5280G>A (p.Thr1760=)

Genes: MYH7 (myosin heavy chain 7; minus strand), LOC126861897 (BRD4-independent group 4 enhancer GRCh37_chr14:23884455-23885654; plus strand). Cytogenetic location: 14q11.2.
Variant type: single nucleotide variant.
Coding change: c.5280G>A on transcript NM_000257.4 (MANE Select); coding-DNA position 5280, G replaced by A.
Protein change: p.Thr1760=; no amino-acid change (threonine 1760 retained).
Molecular consequence: synonymous variant.
Genome position (GRCh38, 1-based): chr14:23,415,384, C>T on the plus strand (G>A on the coding strand, the complement: MYH7 is on the minus strand). VCF-style: chr14-23415384-C-T. GRCh37 (hg19) VCF-style: chr14-23884593-C-T.
Other names: c.5280G>A (LRG_384t1).
Identifiers: ClinVar variation 507625 (VCV000507625.14), dbSNP rs374803185, ClinGen allele CA045859.

ClinVar aggregate classification (germline): Likely benign. Review status: criteria provided, multiple submitters, no conflicts (2 of 4 stars). 5 submissions from 5 submitters: Likely benign (5). Last evaluated 2025-08-03.

Conditions:
Cardiovascular phenotype. Identifiers: MedGen CN230736.
Cardiomyopathy (CMYO). Also called: Cardiomyopathies. Identifiers: Orphanet 167848, MedGen C0878544, MONDO:0004994, HP:0001638. Inheritance: Various modes of inheritance.
Hypertrophic cardiomyopathy. Also called: HYPERTROPHIC MYOCARDIOPATHY. Identifiers: Orphanet 217569, MedGen C0007194, MeSH D002312, MONDO:0005045, HP:0001639.

Allele frequency attached by ClinVar (database versions not stated): gnomAD 0.00003; gnomAD exomes 0.00003; TOPMed 0.00004; ExAC 0.00006; ESP Exome Variant Server 0.00008.
gnomAD v4.1: 23 of 1,614,082 alleles (0.0014%); highest among the groups gnomAD compares: South Asian, 0.0033%; no homozygotes.

Submissions (5):

Ambry Genetics
Classification: Likely benign for Cardiovascular phenotype. Last evaluated: 2025-08-03. Review status: criteria provided, single submitter. Criteria: Ambry Variant Classification Scheme 2023. Collection method: clinical testing. Allele origin: germline.

Labcorp Genetics (formerly Invitae), Labcorp
Classification: Likely benign for Hypertrophic cardiomyopathy. Last evaluated: 2025-06-10. Review status: criteria provided, single submitter. Criteria: Invitae Variant Classification Sherloc (09022015). Collection method: clinical testing. Allele origin: germline.

Molecular Diagnostic Laboratory for Inherited Cardiovascular Disease, Montreal Heart Institute
Classification: Likely benign. Last evaluated: 2025-04-09. Review status: criteria provided, single submitter. Criteria: ACMG Guidelines, 2015. Collection method: clinical testing. Allele origin: germline. Affected: no.
Comment: BP6;BP7

Color Diagnostics, LLC DBA Color Health
Classification: Likely benign for Cardiomyopathy. Last evaluated: 2019-12-09. Review status: criteria provided, single submitter. Criteria: ACMG Guidelines, 2015. Collection method: clinical testing. Allele origin: germline.

GeneDx
Classification: Likely benign. Last evaluated: 2017-02-28. Review status: criteria provided, single submitter. Criteria: GeneDx Variant Classification (06012015). Collection method: clinical testing. Allele origin: germline. Affected: yes.
Comment: This variant is considered likely benign or benign based on one or more of the following criteria: it is a conservative change, it occurs at a poorly conserved position in the protein, it is predicted to be benign by multiple in silico algorithms, and/or has population frequency not consistent with disease.